The following is an entry in ClinVar:

ClinVar aggregate classification (germline): Benign/Likely benign. Review status: criteria provided, multiple submitters, no conflicts (2 of 4 stars). 5 submissions from 5 submitters: Benign (1); Likely benign (4). Last evaluated 2026-04-01.

Allele frequency attached by ClinVar (database versions not stated): ESP Exome Variant Server 0.00024; gnomAD 0.00066 and 0.00070; 1000 Genomes Project 0.00100; TOPMed 0.00110; 1000 Genomes Project 30x 0.00125; gnomAD exomes 0.00185; ExAC 0.00247.
gnomAD v4.1: 670 of 1,571,416 alleles (0.043%); highest among the groups gnomAD compares: Admixed American, 0.9%; 5 homozygotes.

Submissions (5):

CeGaT Center for Human Genetics Tuebingen
Classification: Likely benign. Last evaluated: 2026-04-01. Review status: criteria provided, single submitter. Criteria: CeGaT Center For Human Genetics Tuebingen Variant Classification Criteria Version 2. Collection method: clinical testing. Allele origin: germline. Affected: yes. Observed: 2 variant alleles.
Comment: EMX2: BP4, BP7

Blueprint Genetics
Classification: Likely benign. Last evaluated: 2024-11-06. Review status: criteria provided, single submitter. Criteria: ACMG Guidelines, 2015. Collection method: clinical testing. Allele origin: germline.

Labcorp Genetics (formerly Invitae), Labcorp
Classification: Benign. Last evaluated: 2019-12-31. Review status: criteria provided, single submitter. Criteria: Invitae Variant Classification Sherloc (09022015). Collection method: clinical testing. Allele origin: germline.

Eurofins Ntd Llc (ga)
Classification: Likely benign. Last evaluated: 2014-11-04. Review status: criteria provided, single submitter. Criteria: EGL Classification Definitions 2015. Collection method: clinical testing. Allele origin: germline. Observed: 1 variant allele, 1 heterozygote.

Breakthrough Genomics
Classification: Likely benign. Review status: criteria provided, single submitter. Criteria: ACMG Guidelines, 2015. Collection method: not provided. Allele origin: germline. Inheritance: Unknown mechanism. Affected: yes.

NM_004098.4(EMX2):c.105A>T (p.Ala35=)

Genes: EMX2 (empty spiracles homeobox 2; plus strand), EMX2OS (EMX2 opposite strand/antisense RNA; minus strand). Cytogenetic location: 10q26.11.
Variant type: single nucleotide variant.
Coding change: c.105A>T on transcript NM_004098.4 (MANE Select); coding-DNA position 105, A replaced by T.
Protein change: p.Ala35=; no amino-acid change (alanine 35 retained).
Molecular consequence: synonymous variant.
Genome position (GRCh38, 1-based): chr10:117,543,372, A>T. VCF-style: chr10-117543372-A-T. GRCh37 (hg19) VCF-style: chr10-119302883-A-T.
Other names: c.105A>T, p.Ala35= (NM_001165924.2).
Identifiers: ClinVar variation 193271 (VCV000193271.24), dbSNP rs373030604, ClinGen allele CA200455.